The following is an entry in ClinVar:

NM_020975.6(RET):c.74-3C>T

Gene: RET (ret proto-oncogene; plus strand). Cytogenetic location: 10q11.21.
Variant type: single nucleotide variant.
Coding change: c.74-3C>T on transcript NM_020975.6 (MANE Select); 3 bases into the intron before coding-DNA position 74, C replaced by T.
Molecular consequence: intron variant.
Genome position (GRCh38, 1-based): chr10:43,100,456, C>T. VCF-style: chr10-43100456-C-T. GRCh37 (hg19) VCF-style: chr10-43595904-C-T.
Other names: c.74-3C>T (NM_020630.7, NM_001406743.1, NM_001406744.1 and 32 more transcripts); c.74-8575C>T (NM_001406784.1); c.74-11643C>T (NM_001406794.1, NM_001406792.1, NM_001406793.1).
Identifiers: ClinVar variation 3788328 (VCV003788328.1).

ClinVar aggregate classification (germline): Uncertain significance (1 of 4 stars; one submission).

Conditions:
Hereditary cancer-predisposing syndrome. Also called: Neoplastic Syndromes, Hereditary; Hereditary Cancer Syndrome; Tumor predisposition; Hereditary neoplastic syndrome. Identifiers: Orphanet 140162, MedGen C0027672, MeSH D009386, MONDO:0015356.

Submission:

Ambry Genetics
Classification: Uncertain significance for Hereditary cancer-predisposing syndrome. Last evaluated: 2025-01-30. Review status: criteria provided, single submitter. Criteria: Ambry Variant Classification Scheme 2023. Collection method: clinical testing. Allele origin: germline.
Comment: The c.74-3C>T intronic variant results from a C to T substitution 3 nucleotides upstream from coding exon 2 in the RET gene. This nucleotide position is well conserved in available vertebrate species. In silico splice site analysis predicts that this alteration will not have any significant effect on splicing. Based on the available evidence, the clinical significance of this variant remains unclear.